The following is an entry in ClinVar:

NM_177438.3(DICER1):c.3896A>C (p.Gln1299Pro)

Gene: DICER1 (dicer 1, ribonuclease III; minus strand). Cytogenetic location: 14q32.13.
Variant type: single nucleotide variant.
Coding change: c.3896A>C on transcript NM_177438.3 (MANE Select); coding-DNA position 3896, A replaced by C.
Protein change: p.Gln1299Pro; replaces glutamine 1299 with proline.
Molecular consequence: missense variant.
Genome position (GRCh38, 1-based): chr14:95,103,500, T>G on the plus strand (A>C on the coding strand, the complement: DICER1 is on the minus strand). VCF-style: chr14-95103500-T-G. GRCh37 (hg19) VCF-style: chr14-95569837-T-G.
Other names: c.3896A>C, p.Gln1299Pro (NM_001195573.1, NM_001271282.3, NM_001291628.2 and 1 more transcripts); short protein forms Q1299P.
Identifiers: ClinVar variation 946122 (VCV000946122.11), dbSNP rs1891084627, ClinGen allele CA390873221.

ClinVar aggregate classification (germline): Uncertain significance (1 of 4 stars; one submission).

Conditions:
DICER1-related tumor predisposition. Also called: DICER1-related pleuropulmonary blastoma cancer predisposition syndrome; DICER1 syndrome. Identifiers: Orphanet 284343, MedGen C3839822, MONDO:0100216.

Submission:

Labcorp Genetics (formerly Invitae), Labcorp
Classification: Uncertain significance for DICER1-related tumor predisposition. Last evaluated: 2019-05-02. Review status: criteria provided, single submitter. Criteria: Invitae Variant Classification Sherloc (09022015). Collection method: clinical testing. Allele origin: germline.
Comment: In summary, the available evidence is currently insufficient to determine the role of this variant in disease. Therefore, it has been classified as a Variant of Uncertain Significance. Algorithms developed to predict the effect of missense changes on protein structure and function are either unavailable or do not agree on the potential impact of this missense change (SIFT: "Tolerated"; PolyPhen-2: "Probably Damaging"; Align-GVGD: "Class C0"). This variant has not been reported in the literature in individuals with DICER1-related conditions. This variant is not present in population databases (ExAC no frequency). This sequence change replaces glutamine with proline at codon 1299 of the DICER1 protein (p.Gln1299Pro). The glutamine residue is highly conserved and there is a moderate physicochemical difference between glutamine and proline.